The following is an entry in ClinVar:

NM_145239.3(PRRT2):c.472C>T (p.Pro158Ser)

Genes: MVP-DT (MVP divergent transcript; minus strand), PRRT2 (proline rich transmembrane protein 2; plus strand). Cytogenetic location: 16p11.2.
Variant type: single nucleotide variant.
Coding change: c.472C>T on transcript NM_145239.3 (MANE Select); coding-DNA position 472, C replaced by T.
Protein change: p.Pro158Ser; replaces proline 158 with serine.
Molecular consequence: missense variant.
Genome position (GRCh38, 1-based): chr16:29,813,526, C>T. VCF-style: chr16-29813526-C-T. GRCh37 (hg19) VCF-style: chr16-29824847-C-T.
Other names: c.472C>T, p.Pro158Ser (NM_001256442.2, NM_001256443.2); short protein forms P158S.
Identifiers: ClinVar variation 1010125 (VCV001010125.7), dbSNP rs766816688, ClinGen allele CA7994533.

ClinVar aggregate classification (germline): Uncertain significance (1 of 4 stars; one submission).

Conditions:
Episodic kinesigenic dyskinesia (EKD). Also called: Paroxysmal kinesigenic dyskinesia. Identifiers: Orphanet 98809, MedGen C1868682, MONDO:0044202.

Allele frequency attached by ClinVar (database versions not stated): gnomAD 0.00001; gnomAD exomes 0.00002 and 0.00003; TOPMed 0.00002; ExAC 0.00003.

Submission:

Labcorp Genetics (formerly Invitae), Labcorp
Classification: Uncertain significance for Episodic kinesigenic dyskinesia. Last evaluated: 2026-01-19. Review status: criteria provided, single submitter. Criteria: Invitae Variant Classification Sherloc (09022015). Collection method: clinical testing. Allele origin: germline.
Comment: This sequence change replaces proline, which is neutral and non-polar, with serine, which is neutral and polar, at codon 158 of the PRRT2 protein (p.Pro158Ser). This variant is present in population databases (rs766816688, gnomAD 0.009%). This variant has not been reported in the literature in individuals affected with PRRT2-related conditions. ClinVar contains an entry for this variant (Variation ID: 1010125). Invitae Evidence Modeling of protein sequence and biophysical properties (such as structural, functional, and spatial information, amino acid conservation, physicochemical variation, residue mobility, and thermodynamic stability) indicates that this missense variant is not expected to disrupt PRRT2 protein function with a negative predictive value of 95%. In summary, the available evidence is currently insufficient to determine the role of this variant in disease. Therefore, it has been classified as a Variant of Uncertain Significance.